The following is an entry in ClinVar:

ClinVar aggregate classification (germline): Uncertain significance. Review status: criteria provided, multiple submitters, no conflicts (2 of 4 stars). 2 submissions from 2 submitters: Uncertain significance (2). Last evaluated 2025-09-24.

gnomAD v4.1: 8 of 1,613,960 alleles (0.0005%); highest among the groups gnomAD compares: African/African-American, 0.0013%; no homozygotes.

Submissions (2):

Ambry Genetics
Classification: Uncertain significance. Last evaluated: 2025-09-24. Review status: criteria provided, single submitter. Criteria: Ambry Variant Classification Scheme 2023. Collection method: clinical testing. Allele origin: germline.

Labcorp Genetics (formerly Invitae), Labcorp
Classification: Uncertain significance. Last evaluated: 2024-03-09. Review status: criteria provided, single submitter. Criteria: Invitae Variant Classification Sherloc (09022015). Collection method: clinical testing. Allele origin: germline.
Comment: This sequence change replaces histidine, which is basic and polar, with tyrosine, which is neutral and polar, at codon 994 of the TET2 protein (p.His994Tyr). The frequency data for this variant in the population databases is considered unreliable, as metrics indicate poor data quality at this position in the gnomAD database. This variant has not been reported in the literature in individuals affected with TET2-related conditions. An algorithm developed to predict the effect of missense changes on protein structure and function (PolyPhen-2) suggests that this variant is likely to be tolerated. In summary, the available evidence is currently insufficient to determine the role of this variant in disease. Therefore, it has been classified as a Variant of Uncertain Significance.

NM_001127208.3(TET2):c.2980C>T (p.His994Tyr)

Genes: TET2 (tet methylcytosine dioxygenase 2; plus strand), TET2-AS1 (TET2 antisense RNA 1; minus strand). Cytogenetic location: 4q24.
Variant type: single nucleotide variant.
Coding change: c.2980C>T on transcript NM_001127208.3 (MANE Select); coding-DNA position 2980, C replaced by T.
Protein change: p.His994Tyr; replaces histidine 994 with tyrosine.
Molecular consequence: missense variant.
Genome position (GRCh38, 1-based): chr4:105,236,922, C>T. VCF-style: chr4-105236922-C-T. GRCh37 (hg19) VCF-style: chr4-106158079-C-T.
Other names: c.2980C>T, p.His994Tyr (NM_017628.4); short protein forms H994Y.
Identifiers: ClinVar variation 3618768 (VCV003618768.4).